The following is an entry in ClinVar:

NM_000218.3(KCNQ1):c.1514+23200C>G

Genes: KCNQ1 (potassium voltage-gated channel subfamily Q member 1; plus strand), KCNQ1OT1 (KCNQ1 opposite strand/antisense transcript 1; minus strand). Cytogenetic location: 11p15.5.
Variant type: single nucleotide variant.
Coding change: c.1514+23200C>G on transcript NM_000218.3 (MANE Select); 23200 bases into the intron after coding-DNA position 1514, C replaced by G.
Molecular consequence: intron variant.
Genome position (GRCh38, 1-based): chr11:2,685,281, C>G. VCF-style: chr11-2685281-C-G. GRCh37 (hg19) VCF-style: chr11-2706511-C-G.
Other names: c.1244+23200C>G (NM_001406837.1); c.1418+23200C>G (NM_001406836.1); c.974+23200C>G (NM_001406838.1); c.1133+23200C>G (NM_181798.2).
Identifiers: ClinVar variation 1879193 (VCV001879193.29), dbSNP rs139940328, ClinGen allele CA216187951.
Genomic context (GRCh38, chr11:2,685,281, plus strand): 5'-AGGCACTACTTCAGTCCTCCCATTACCAAACTCCAGGGCACACGTGCCACTGTGTCTTGC[C>G]CACAAACATGCACACAGAGTATCGATCTGTCTGATGTTTCAGGGACCCAGCCATGTCATG-3'

ClinVar aggregate classification (germline): Likely benign (1 of 4 stars; one submission).

Allele frequency attached by ClinVar (database versions not stated): 1000 Genomes Project 30x 0.00047; 1000 Genomes Project 0.00060; gnomAD 0.00075; gnomAD exomes 0.00095.
gnomAD v4.1: 344 of 398,640 alleles (0.086%); highest among the groups gnomAD compares: Middle Eastern, 0.25%; 2 homozygotes.

Submission:

CeGaT Center for Human Genetics Tuebingen
Classification: Likely benign. Last evaluated: 2025-06-01. Review status: criteria provided, single submitter. Criteria: CeGaT Center For Human Genetics Tuebingen Variant Classification Criteria Version 2. Collection method: clinical testing. Allele origin: germline. Affected: yes. Observed: 4 variant alleles.
Comment: KCNQ1OT1: BS1